The following is an entry in ClinVar:

ClinVar aggregate classification (germline): Likely benign. Review status: criteria provided, multiple submitters, no conflicts (2 of 4 stars). 3 submissions from 3 submitters: Likely benign (3). Last evaluated 2025-12-29.

Conditions:
LAMA2-related muscular dystrophy (LAMA2-RD). Also called: Laminin alpha 2-related dystrophy. Identifiers: MedGen C5679788, MONDO:0100228.
Merosin deficient congenital muscular dystrophy (MDC1A). Also called: Congenital Muscular Dystrophy Type 1A (MDC1A); Congenital merosin-deficient muscular dystrophy 1A. Identifiers: Orphanet 258, MedGen C1263858, MONDO:0011925, OMIM 607855.
Muscular dystrophy, limb-girdle, autosomal recessive 23. Identifiers: Orphanet 565837, MedGen C4748327, MONDO:0029136, OMIM 618138.

Allele frequency attached by ClinVar (database versions not stated): TOPMed 0.00006; ExAC 0.00007; gnomAD 0.00007; gnomAD exomes 0.00007; ESP Exome Variant Server 0.00015.
gnomAD v4.1: 118 of 1,611,972 alleles (0.0073%); highest among the groups gnomAD compares: Middle Eastern, 0.016%; no homozygotes.

Submissions (3):

Labcorp Genetics (formerly Invitae), Labcorp
Classification: Likely benign for LAMA2-related muscular dystrophy. Last evaluated: 2025-12-29. Review status: criteria provided, single submitter. Criteria: Invitae Variant Classification Sherloc (09022015). Collection method: clinical testing. Allele origin: germline.

Fulgent Genetics
Classification: Likely benign for Merosin deficient congenital muscular dystrophy; Muscular dystrophy, limb-girdle, autosomal recessive 23. Last evaluated: 2021-10-28. Review status: criteria provided, single submitter. Criteria: ACMG Guidelines, 2015. Collection method: clinical testing. Allele origin: unknown.

GeneDx
Classification: Likely benign. Last evaluated: 2017-01-16. Review status: criteria provided, single submitter. Criteria: GeneDx Variant Classification (06012015). Collection method: clinical testing. Allele origin: germline. Affected: yes.
Comment: This variant is considered likely benign or benign based on one or more of the following criteria: it is a conservative change, it occurs at a poorly conserved position in the protein, it is predicted to be benign by multiple in silico algorithms, and/or has population frequency not consistent with disease.

NM_000426.4(LAMA2):c.711C>T (p.Ser237=)

Gene: LAMA2 (laminin subunit alpha 2; plus strand). Cytogenetic location: 6q22.33.
Variant type: single nucleotide variant.
Coding change: c.711C>T on transcript NM_000426.4 (MANE Select); coding-DNA position 711, C replaced by T.
Protein change: p.Ser237=; no amino-acid change (serine 237 retained).
Molecular consequence: synonymous variant.
Genome position (GRCh38, 1-based): chr6:129,143,972, C>T. VCF-style: chr6-129143972-C-T. GRCh37 (hg19) VCF-style: chr6-129465117-C-T.
Other names: c.711C>T, p.Ser237= (NM_001079823.2).
Identifiers: ClinVar variation 392744 (VCV000392744.13), dbSNP rs369745832, ClinGen allele CA3992405.